The following is an entry in ClinVar:

ClinVar aggregate classification (germline): Likely pathogenic. Review status: criteria provided, single submitter (1 of 4 stars). 2 submissions from 2 submitters: Likely pathogenic (1). 1 of the submissions does not count toward it. Last evaluated 2025-07-22.

Conditions:
Deficiency of hydroxymethylglutaryl-CoA lyase (HMGCLD). Also called: Defect in leucine metabolism; 3-hydroxy-3-methylglutaric aciduria; HMGCL DEFICIENCY; HYDROXYMETHYLGLUTARIC ACIDURIA; HMG-CoA LYASE DEFICIENCY. Identifiers: Orphanet 20, MedGen C1533587, MONDO:0009520, OMIM 246450.

Submissions (2):

Myriad Genetics, Inc.
Classification: Likely pathogenic for Deficiency of hydroxymethylglutaryl-CoA lyase. Last evaluated: 2025-07-22. Review status: criteria provided, single submitter. Criteria: Myriad Autosomal Dominant, Autosomal Recessive and X-Linked Classification Criteria (2023). Collection method: clinical testing. Allele origin: unknown.
Comment: NM_000191.2(HMGCL):c.60+1G>T is a variant in a canonical splice site classified as likely pathogenic in the context of HMG-CoA lyase deficiency. c.60+1G>T has not been observed in cases with relevant disease. Relevant functional assessments of this variant are not available in the literature. c.60+1G>T has not been observed in referenced population frequency databases. In summary, NM_000191.2(HMGCL):c.60+1G>T is a variant in a canonical splice site in a gene where loss of function is a known mechanism of disease and is predicted to disrupt protein function. Please note: this variant was assessed in the context of healthy population screening.

Counsyl
Classification: Likely pathogenic for Deficiency of hydroxymethylglutaryl-CoA lyase. Last evaluated: 2017-12-28. Review status: no assertion criteria provided. Collection method: clinical testing. Allele origin: unknown. Not counted in ClinVar's aggregate classification.

NM_000191.3(HMGCL):c.60+1G>T

Gene: HMGCL (3-hydroxy-3-methylglutaryl-CoA lyase; minus strand). Cytogenetic location: 1p36.11.
Variant type: single nucleotide variant.
Coding change: c.60+1G>T on transcript NM_000191.3 (MANE Select); the canonical splice donor site of the intron after coding-DNA position 60, G replaced by T.
Molecular consequence: splice donor variant.
Genome position (GRCh38, 1-based): chr1:23,825,355, C>A on the plus strand (G>T on the coding strand, the complement: HMGCL is on the minus strand). VCF-style: chr1-23825355-C-A. GRCh37 (hg19) VCF-style: chr1-24151845-C-A.
Other names: c.60+1G>T (NM_001166059.2).
Identifiers: ClinVar variation 555710 (VCV000555710.3), dbSNP rs1324641233, ClinGen allele CA339031056.
Genomic context (GRCh38, chr1:23,825,355, plus strand): 5'-CCCCAACCCTGACAGTCAGAGTGCCTGCAGGGCCGCCGCCTCGGCGGCTCGGGGCACTTA[C>A]AGCCCGGAGGGACGCCAAGCCCACCAGTCGCCGCGGAAGCGCCTTCCTCATTGCTGCCAT-3'